The following is an entry in ClinVar:

NM_005413.4(SIX3):c.949G>C (p.Gly317Arg)

Gene: SIX3 (SIX homeobox 3; plus strand). Cytogenetic location: 2p21.
Variant type: single nucleotide variant.
Coding change: c.949G>C on transcript NM_005413.4 (MANE Select); coding-DNA position 949, G replaced by C.
Protein change: p.Gly317Arg; replaces glycine 317 with arginine.
Molecular consequence: missense variant.
Genome position (GRCh38, 1-based): chr2:44,944,710, G>C. VCF-style: chr2-44944710-G-C. GRCh37 (hg19) VCF-style: chr2-45171849-G-C.
Other names: short protein forms G317R.
Identifiers: ClinVar variation 1388215 (VCV001388215.8), dbSNP rs2103645634, ClinGen allele CA346800719.

ClinVar aggregate classification (germline): Uncertain significance (1 of 4 stars; one submission).

Conditions:
Holoprosencephaly 2 (HPE2). Identifiers: Orphanet 2162, MedGen C1834877, MONDO:0007999, OMIM 157170.

Submission:

Labcorp Genetics (formerly Invitae), Labcorp
Classification: Uncertain significance for Holoprosencephaly 2. Last evaluated: 2021-05-20. Review status: criteria provided, single submitter. Criteria: Invitae Variant Classification Sherloc (09022015). Collection method: clinical testing. Allele origin: germline.
Comment: This sequence change replaces glycine with arginine at codon 317 of the SIX3 protein (p.Gly317Arg). The glycine residue is moderately conserved and there is a moderate physicochemical difference between glycine and arginine. In summary, the available evidence is currently insufficient to determine the role of this variant in disease. Therefore, it has been classified as a Variant of Uncertain Significance. Algorithms developed to predict the effect of missense changes on protein structure and function do not agree on the potential impact of this missense change (SIFT: "Tolerated"; PolyPhen-2: "Probably Damaging"; Align-GVGD: "Class C0"). This variant has not been reported in the literature in individuals with SIX3-related disease. This variant is not present in population databases (ExAC no frequency).